The following is an entry in ClinVar:

NM_006015.6(ARID1A):c.364G>A (p.Gly122Ser)

Gene: ARID1A (AT-rich interaction domain 1A; plus strand). Cytogenetic location: 1p36.11.
Variant type: single nucleotide variant.
Coding change: c.364G>A on transcript NM_006015.6 (MANE Select); coding-DNA position 364, G replaced by A.
Protein change: p.Gly122Ser; replaces glycine 122 with serine.
Molecular consequence: missense variant.
Genome position (GRCh38, 1-based): chr1:26,696,767, G>A. VCF-style: chr1-26696767-G-A. GRCh37 (hg19) VCF-style: chr1-27023258-G-A.
Other names: c.364G>A, p.Gly122Ser (NM_139135.4); short protein forms G122S.
Identifiers: ClinVar variation 2973801 (VCV002973801.5), dbSNP rs1238023708, ClinGen allele CA339264960.

ClinVar aggregate classification (germline): Uncertain significance. Review status: criteria provided, multiple submitters, no conflicts (2 of 4 stars). 3 submissions from 3 submitters: Uncertain significance (3). Last evaluated 2025-10-21.

Conditions:
Inborn genetic diseases. Identifiers: MedGen C0950123, MeSH D030342.

Allele frequency attached by ClinVar (database versions not stated): TOPMed below 0.00001; gnomAD 0.00002; 1000 Genomes Project 30x 0.00016.
gnomAD v4.1: 25 of 1,343,800 alleles (0.0019%); highest among the groups gnomAD compares: Admixed American, 0.045%; no homozygotes.

Submissions (3):

Ambry Genetics
Classification: Uncertain significance for Inborn genetic diseases. Last evaluated: 2025-10-21. Review status: criteria provided, single submitter. Criteria: Ambry Variant Classification Scheme 2023. Collection method: clinical testing. Allele origin: germline.

Labcorp Genetics (formerly Invitae), Labcorp
Classification: Uncertain significance. Last evaluated: 2025-09-03. Review status: criteria provided, single submitter. Criteria: Invitae Variant Classification Sherloc (09022015). Collection method: clinical testing. Allele origin: germline.
Comment: This sequence change replaces glycine, which is neutral and non-polar, with serine, which is neutral and polar, at codon 122 of the ARID1A protein (p.Gly122Ser). This variant is not present in population databases (gnomAD no frequency). This variant has not been reported in the literature in individuals affected with ARID1A-related conditions. ClinVar contains an entry for this variant (Variation ID: 2973801). Invitae Evidence Modeling of protein sequence and biophysical properties (such as structural, functional, and spatial information, amino acid conservation, physicochemical variation, residue mobility, and thermodynamic stability) indicates that this missense variant is not expected to disrupt ARID1A protein function with a negative predictive value of 95%. In summary, the available evidence is currently insufficient to determine the role of this variant in disease. Therefore, it has been classified as a Variant of Uncertain Significance.

Blueprint Genetics
Classification: Uncertain significance. Last evaluated: 2021-03-29. Review status: criteria provided, single submitter. Criteria: ACMG Guidelines, 2015. Collection method: clinical testing. Allele origin: germline.